The following is an entry in ClinVar:

ClinVar aggregate classification (germline): Uncertain significance (1 of 4 stars; one submission).

Submission:

Women's Health and Genetics/Laboratory Corporation of America, LabCorp
Classification: Uncertain significance. Last evaluated: 2024-09-26. Review status: criteria provided, single submitter. Criteria: LabCorp Variant Classification Summary - May 2015. Collection method: clinical testing. Allele origin: germline.
Comment: Variant summary: SPTBN1 c.5311T>G (p.Ser1771Ala) results in a conservative amino acid change located in the Spectrin repeat domain (IPR002017) of the encoded protein sequence. Four of five in-silico tools predict a benign effect of the variant on protein function. The variant was absent in 251356 control chromosomes. The available data on variant occurrences in the general population are insufficient to allow any conclusion about variant significance. To our knowledge, no occurrence of c.5311T>G in individuals affected with Developmental Delay, Impaired Speech, And Behavioral Abnormalities and no experimental evidence demonstrating its impact on protein function have been reported. No submitters have cited clinical-significance assessments for this variant to ClinVar. Based on the evidence outlined above, the variant was classified as uncertain significance.

NM_003128.3(SPTBN1):c.5311T>G (p.Ser1771Ala)

Gene: SPTBN1 (spectrin beta, non-erythrocytic 1; plus strand). Cytogenetic location: 2p16.2.
Variant type: single nucleotide variant.
Coding change: c.5311T>G on transcript NM_003128.3 (MANE Select); coding-DNA position 5311, T replaced by G.
Protein change: p.Ser1771Ala; replaces serine 1771 with alanine.
Molecular consequence: missense variant.
Genome position (GRCh38, 1-based): chr2:54,649,723, T>G. VCF-style: chr2-54649723-T-G. GRCh37 (hg19) VCF-style: chr2-54876860-T-G.
Other names: c.5272T>G, p.Ser1758Ala (NM_178313.3); short protein forms S1758A, S1771A.
Identifiers: ClinVar variation 3375180 (VCV003375180.1).